The following is an entry in ClinVar:

ClinVar aggregate classification (germline): Pathogenic/Likely pathogenic. Review status: criteria provided, multiple submitters, no conflicts (2 of 4 stars). 5 submissions from 5 submitters: Pathogenic (3); Likely pathogenic (2). Last evaluated 2025-09-26.

Conditions:
Glycogen storage disease IV, classic hepatic. Also called: GSD IV, CLASSIC HEPATIC. Identifiers: MedGen C1856301.
Glycogen storage disease, type IV (GSD4). Also called: Glycogen storage disease due to glycogen branching enzyme deficiency; AMYLOPECTINOSIS; ANDERSEN DISEASE; BRANCHER DEFICIENCY; CIRRHOSIS, FAMILIAL, WITH DEPOSITION OF ABNORMAL GLYCOGEN; GBE1 DEFICIENCY. Identifiers: Orphanet 367, MedGen C0017923, MONDO:0009292, OMIM 232500.

Allele frequency attached by ClinVar (database versions not stated): gnomAD exomes below 0.00001; ExAC 0.00001; ESP Exome Variant Server 0.00008.

Submissions (5):

Natera, Inc.
Classification: Likely pathogenic for Glycogen storage disease type IV. Last evaluated: 2025-09-26. Review status: criteria provided, single submitter. Criteria: Natera Variant Classification Schema (03/2026). Collection method: clinical testing. Allele origin: germline.
Comment: The c.1336-1G>A variant in GBE1 is a canonical splice acceptor site variant predicted to affect pre-mRNA splicing, which may result in an abnormal transcript and altered protein product. This variant may result in a truncated or dysfunctional protein product. This variant is rare in the general population with a frequency below the threshold expected for the associated phenotype(s). This variant has been observed in one or more individuals affected with the associated recessive disease, as either homozygous or compound heterozygous with a second variant (PMID: 16874838). Additionally, this variant has been observed to segregate in affected family members (PMID: 16874838). Given the available evidence, this variant is classified as Likely Pathogenic.

Broad Center for Mendelian Genomics, Broad Institute of MIT and Harvard
Classification: Pathogenic for Glycogen storage disease, type IV. Last evaluated: 2025-05-05. Review status: criteria provided, single submitter. Criteria: ACMG Guidelines, 2015. Collection method: curation. Allele origin: germline. Inheritance: Autosomal recessive inheritance.
Comment: The c.1336-1G>A variant in GBE1 has been reported in 1 individual, in the homozygous state, with glycogen storage disease type IV (GSD IV) (PMID: 16874838), segregated with disease in 1 affected relative from the same family, and has been identified in 0.0005% (6/1111500) of European (non-Finnish) chromosomes by the Genome Aggregation Database (gnomAD; dbSNP ID: rs375253942). Although this variant has been seen in the general population in a heterozygous state, its frequency is low enough to be consistent with a recessive carrier frequency. This variant has also been reported in ClinVar (Variation ID#: 1069503) and has been interpreted as pathogenic/likely pathogenic by Women's Health and Genetics/Laboratory Corporation of America (LabCorp), Baylor Genetics, Labcorp Genetics (formerly Invitae), and Natera Inc. This variant is located in the 5' splice region. Computational tools predict a splicing impact, though this information is not predictive enough to determine pathogenicity. SpliceAI predictions indicate use of an out-of-frame cryptic splice site 11 bases from the intron-exon boundary, providing evidence that this variant may cause a frameshift and lead to a premature termination codon downstream. This alteration is then predicted to lead to a truncated or absent protein. However, this information is not predictive enough to determine pathogenicity. Loss of function of the GBE1 gene is an established disease mechanism in autosomal recessive GSD IV. In summary, this variant meets criteria to be classified as pathogenic for autosomal recessive GSD IV. ACMG/AMP Criteria applied: PVS1, PM2_supporting, PM3_supporting (Richards 2015).

Labcorp Genetics (formerly Invitae), Labcorp
Classification: Pathogenic for Glycogen storage disease, type IV; Glycogen storage disease IV, classic hepatic. Last evaluated: 2024-03-25. Review status: criteria provided, single submitter. Criteria: Invitae Variant Classification Sherloc (09022015). Collection method: clinical testing. Allele origin: germline.
Comment: This sequence change affects an acceptor splice site in intron 10 of the GBE1 gene. It is expected to disrupt RNA splicing. Variants that disrupt the donor or acceptor splice site typically lead to a loss of protein function (PMID: 16199547), and loss-of-function variants in GBE1 are known to be pathogenic (PMID: 15452297, 20058079). The frequency data for this variant in the population databases is considered unreliable, as metrics indicate poor data quality at this position in the gnomAD database. Disruption of this splice site has been observed in individual(s) with GBE1-related conditions (PMID: 16874838). It has also been observed to segregate with disease in related individuals. ClinVar contains an entry for this variant (Variation ID: 1069503). Algorithms developed to predict the effect of sequence changes on RNA splicing suggest that this variant may disrupt the consensus splice site. For these reasons, this variant has been classified as Pathogenic.

Baylor Genetics
Classification: Pathogenic for Glycogen storage disease, type IV. Last evaluated: 2023-07-03. Review status: criteria provided, single submitter. Criteria: ACMG Guidelines, 2015. Collection method: clinical testing. Allele origin: unknown.

Women's Health and Genetics/Laboratory Corporation of America, LabCorp
Classification: Likely pathogenic for Glycogen storage disease, type IV. Last evaluated: 2023-04-28. Review status: criteria provided, single submitter. Criteria: LabCorp Variant Classification Summary - May 2015. Collection method: clinical testing. Allele origin: germline.
Comment: Variant summary: GBE1 c.1336-1G>A is located in a canonical splice-site and is predicted to affect mRNA splicing resulting in a significantly altered protein due to either exon skipping, shortening, or inclusion of intronic material. Several computational tools predict a significant impact on normal splicing: Four predict the variant abolishes the canonical 3' acceptor site and three predict the variant also creates a new 3' acceptor site. However, these predictions have yet to be confirmed by functional studies. The variant allele was found at a frequency of 4.7e-06 in 212152 control chromosomes (gnomAD). c.1336-1G>A has been reported in the literature in at least one homozygous individual affected with Glycogen Storage Disease, Type IV (e.g. Akman_2006). These data indicate that the variant may be associated with disease. To our knowledge, no experimental evidence demonstrating an impact on protein function has been reported. The following publication has been ascertained in the context of this evaluation (PMID: 16874838). Three submitters have provided clinical-significance assessments for this variant to ClinVar after 2014 and classified it as either pathogenic (n=2) or VUS (n=1). Based on the evidence outlined above, the variant was classified as likely pathogenic.

Literature cited by the submitters: PubMed 16874838 (cited by 3 submitters); PubMed 16199547 (cited by Labcorp Genetics (formerly Invitae), Labcorp); PubMed 15452297 (cited by Labcorp Genetics (formerly Invitae), Labcorp); PubMed 20058079 (cited by Labcorp Genetics (formerly Invitae), Labcorp).

NM_000158.4(GBE1):c.1336-1G>A

Gene: GBE1 (1,4-alpha-glucan branching enzyme 1; minus strand). Cytogenetic location: 3p12.2.
Variant type: single nucleotide variant.
Coding change: c.1336-1G>A on transcript NM_000158.4 (MANE Select); the canonical splice acceptor site of the intron before coding-DNA position 1336, G replaced by A.
Molecular consequence: splice acceptor variant.
Genome position (GRCh38, 1-based): chr3:81,581,276, C>T on the plus strand (G>A on the coding strand, the complement: GBE1 is on the minus strand). VCF-style: chr3-81581276-C-T. GRCh37 (hg19) VCF-style: chr3-81630427-C-T.
Other names: c.1336-1G>A (NM_000158.3).
Identifiers: ClinVar variation 1069503 (VCV001069503.13), dbSNP rs375253942, ClinGen allele CA2499688.